The following is an entry in ClinVar:

ClinVar aggregate classification (germline): Benign. Review status: criteria provided, multiple submitters, no conflicts (2 of 4 stars). 4 submissions from 4 submitters: Benign (4). Last evaluated 2025-01-06.

Conditions:
MYO9A-related disorder. Also called: MYO9A-related condition.

Allele frequency attached by ClinVar (database versions not stated): gnomAD exomes 0.00150 and 0.00409; ExAC 0.00492; gnomAD 0.01491 and 0.01606; ESP Exome Variant Server 0.01555; 1000 Genomes Project 0.01597; 1000 Genomes Project 30x 0.01608; TOPMed 0.01689.
gnomAD v4.1: 4,571 of 1,611,914 alleles (0.28%); highest among the groups gnomAD compares: African/African-American, 5.4%; 107 homozygotes.

Submissions (4):

PreventionGenetics, part of Exact Sciences
Classification: Benign for MYO9A-related condition. Last evaluated: 2025-01-06. Review status: criteria provided, single submitter. Criteria: ACMG Guidelines, 2015. Collection method: clinical testing. Allele origin: germline.
Comment: This variant is classified as benign based on ACMG/AMP sequence variant interpretation guidelines (Richards et al. 2015 PMID: 25741868, with internal and published modifications).

GeneDx
Classification: Benign. Last evaluated: 2021-05-06. Review status: criteria provided, single submitter. Criteria: GeneDx Variant Classification Process June 2021. Collection method: clinical testing. Allele origin: germline. Affected: yes.

Labcorp Genetics (formerly Invitae), Labcorp
Classification: Benign. Last evaluated: 2019-12-31. Review status: criteria provided, single submitter. Criteria: Invitae Variant Classification Sherloc (09022015). Collection method: clinical testing. Allele origin: germline.

Breakthrough Genomics
Classification: Benign. Review status: criteria provided, single submitter. Criteria: ACMG Guidelines, 2015. Collection method: not provided. Allele origin: germline. Inheritance: Autosomal recessive inheritance. Affected: yes.

NM_006901.4(MYO9A):c.5383C>T (p.His1795Tyr)

Genes: MYO9A (myosin IXA; minus strand), LOC130057457 (ATAC-STARR-seq lymphoblastoid active region 9708; plus strand). Cytogenetic location: 15q23.
Variant type: single nucleotide variant.
Coding change: c.5383C>T on transcript NM_006901.4 (MANE Select); coding-DNA position 5383, C replaced by T.
Protein change: p.His1795Tyr; replaces histidine 1795 with tyrosine.
Molecular consequence: missense variant.
Genome position (GRCh38, 1-based): chr15:71,883,609, G>A on the plus strand (C>T on the coding strand, the complement: MYO9A is on the minus strand). VCF-style: chr15-71883609-G-A. GRCh37 (hg19) VCF-style: chr15-72175950-G-A.
Other names: short protein forms H1795Y.
Identifiers: ClinVar variation 776925 (VCV000776925.8), dbSNP rs16956367, ClinGen allele CA7641174.